The following is an entry in ClinVar:

ClinVar aggregate classification (germline): Benign/Likely benign. Review status: criteria provided, multiple submitters, no conflicts (2 of 4 stars). 3 submissions from 3 submitters: Benign (1); Likely benign (1). 1 of the submissions does not count toward it. Last evaluated 2026-01-19.

Conditions:
TBCK-related disorder. Also called: TBCK-related condition; TBCK-related disorders.

Submissions (3):

Labcorp Genetics (formerly Invitae), Labcorp
Classification: Benign. Last evaluated: 2026-01-19. Review status: criteria provided, single submitter. Criteria: Invitae Variant Classification Sherloc (09022015). Collection method: clinical testing. Allele origin: germline.

Blueprint Genetics
Classification: Likely benign. Last evaluated: 2024-10-23. Review status: criteria provided, single submitter. Criteria: ACMG Guidelines, 2015. Collection method: clinical testing. Allele origin: germline.

PreventionGenetics, part of Exact Sciences
Classification: Benign for TBCK-related condition. Last evaluated: 2019-09-23. Review status: no assertion criteria provided. Collection method: clinical testing. Allele origin: germline. Not counted in ClinVar's aggregate classification.
Comment: This variant is classified as benign based on ACMG/AMP sequence variant interpretation guidelines (Richards et al. 2015 PMID: 25741868, with internal and published modifications).

NM_001163435.3(TBCK):c.2236-4del

Gene: TBCK (TBC1 domain containing kinase; minus strand). Cytogenetic location: 4q24.
Variant type: Deletion.
Coding change: c.2236-4del on transcript NM_001163435.3 (MANE Select); 4 bases into the intron before coding-DNA position 2236, one base deleted (T; older notation c.2236-4delT).
Molecular consequence: intron variant.
Genome position (GRCh38, 1-based): chr4:106,116,382, A deleted on the plus strand (T on the coding strand, the reverse complement: TBCK is on the minus strand); the first of 10 consecutive A bases (chr4:106,116,382-106,116,391); deleting any one gives the same sequence. VCF-style (leftmost placement, unchanged base first): chr4-106116381-GA-G. GRCh37 (hg19) VCF-style: chr4-107037538-GA-G.
Other names: c.2236-4del (NM_001163436.4); c.2047-4del (NM_033115.5); c.2119-4del (NM_001163437.3); c.1720-4del (NM_001290768.2); c.2236-4delT (NM_001163435.2).
Identifiers: ClinVar variation 1597915 (VCV001597915.11), dbSNP rs750862111, ClinGen allele CA3034744.